The following is an entry in ClinVar:

ClinVar aggregate classification (germline): Uncertain significance (1 of 4 stars; one submission).

Conditions:
Brugada syndrome 5 (BRGDA5). Identifiers: Orphanet 130, Orphanet 871, MedGen C2748541, MONDO:0013015, OMIM 612838.

gnomAD v4.1: 1 of 1,549,770 alleles (0.000065%); no homozygotes.

Submission:

Labcorp Genetics (formerly Invitae), Labcorp
Classification: Uncertain significance for Brugada syndrome 5. Last evaluated: 2025-07-09. Review status: criteria provided, single submitter. Criteria: Invitae Variant Classification Sherloc (09022015). Collection method: clinical testing. Allele origin: germline.
Comment: This sequence change replaces glycine, which is neutral and non-polar, with arginine, which is basic and polar, at codon 257 of the SCN1B protein (p.Gly257Arg). This variant is not present in population databases (gnomAD no frequency). This missense change has been observed in individual(s) with epilepsy (PMID: 21994374, 28837624). ClinVar contains an entry for this variant (Variation ID: 655577). An algorithm developed to predict the effect of missense changes on protein structure and function outputs the following: PolyPhen-2: "Benign". The arginine amino acid residue is found in multiple mammalian species, which suggests that this missense change does not adversely affect protein function. Experimental studies have shown that this missense change affects SCN1B function (PMID: 21994374). In summary, the available evidence is currently insufficient to determine the role of this variant in disease. Therefore, it has been classified as a Variant of Uncertain Significance.

Literature cited by the submitters: PubMed 21994374; PubMed 28837624.

NM_001037.5(SCN1B):c.448+321G>C

Gene: SCN1B (sodium voltage-gated channel beta subunit 1; plus strand). Cytogenetic location: 19q13.11.
Variant type: single nucleotide variant.
Coding change: c.448+321G>C on transcript NM_001037.5 (MANE Select); 321 bases into the intron after coding-DNA position 448, G replaced by C.
Molecular consequence: intron variant. On other transcripts: missense variant (1).
Genome position (GRCh38, 1-based): chr19:35,034,060, G>C. VCF-style: chr19-35034060-G-C. GRCh37 (hg19) VCF-style: chr19-35524964-G-C.
Other names: c.769G>C, p.Gly257Arg (NM_199037.5); c.349+321G>C (NM_001321605.2); short protein forms G257R.
Identifiers: ClinVar variation 655577 (VCV000655577.8), dbSNP rs72558028, ClinGen allele CA405329813.
Genomic context (GRCh38, chr19:35,034,060, plus strand): 5'-TGTATGACCTCTGGCAGGTGCCTTCTGTCTCTGAGCCAAAGGGTTGTCCTGGGCTTGCCC[G>C]GGATAATAATCCGATGTGTTTCTCGGGGTGTGGTTTGAGCCATTCTTCCATCATGGGGTT-3'